The following is an entry in ClinVar:

ClinVar aggregate classification (germline): Conflicting classifications of pathogenicity. Review status: criteria provided, conflicting classifications (1 of 4 stars). 9 submissions from 9 submitters: Uncertain significance (8); Likely benign (1). Last evaluated 2026-09-10.

Conditions:
BARD1-related disorder. Also called: BARD1-related condition.
Hereditary cancer-predisposing syndrome. Also called: Neoplastic Syndromes, Hereditary; Tumor predisposition; Hereditary neoplastic syndrome; Hereditary Cancer Syndrome. Identifiers: Orphanet 140162, MedGen C0027672, MeSH D009386, MONDO:0015356.
Hereditary breast ovarian cancer syndrome. Also called: Hereditary breast and/or ovarian cancer syndrome; Hereditary breast and ovarian cancer syndrome; Hereditary breast and ovarian cancer; Hereditary breast and ovarian cancer syndrome (HBOC); Breast and ovarian cancer; BRCA1- and BRCA2-Associated Hereditary Breast and Ovarian Cancer. Identifiers: Orphanet 145, MedGen C0677776, MeSH D061325, MONDO:0003582. Disease mechanism: loss of function.
Familial cancer of breast. Also called: Hereditary breast cancer; BREAST CANCER, FAMILIAL; hereditary breast carcinoma. Identifiers: Orphanet 227535, MedGen C0346153, MONDO:0016419, OMIM 114480. Disease mechanism: loss of function.

Allele frequency attached by ClinVar (database versions not stated): TOPMed 0.00002; ExAC 0.00005.
gnomAD v4.1: 14 of 1,613,900 alleles (0.00087%); highest among the groups gnomAD compares: Admixed American, 0.01%; no homozygotes.

Submissions (9):

PreventionGenetics, part of Exact Sciences
Classification: Uncertain significance for BARD1-related condition. Last evaluated: 2026-09-10. Review status: criteria provided, single submitter. Criteria: ACMG Guidelines, 2015. Collection method: clinical testing. Allele origin: germline.
Comment: The BARD1 c.1153G>A variant is predicted to result in the amino acid substitution p.Asp385Asn. To our knowledge, this variant has not been reported in the literature in individuals with BARD1 associated conditions. This variant is reported in 0.014% of alleles in individuals of Latino descent in gnomAD and is classified as uncertain and likely benign in ClinVar (Variation ID: 186580). At this time, the clinical significance of this variant is uncertain due to the absence of conclusive functional and genetic evidence.

Labcorp Genetics (formerly Invitae), Labcorp
Classification: Uncertain significance for Familial cancer of breast. Last evaluated: 2025-12-15. Review status: criteria provided, single submitter. Criteria: Invitae Variant Classification Sherloc (09022015). Collection method: clinical testing. Allele origin: germline.
Comment: This sequence change replaces aspartic acid, which is acidic and polar, with asparagine, which is neutral and polar, at codon 385 of the BARD1 protein (p.Asp385Asn). This variant is present in population databases (rs587782436, gnomAD 0.01%). This variant has not been reported in the literature in individuals affected with BARD1-related conditions. ClinVar contains an entry for this variant (Variation ID: 186580). An algorithm developed to predict the effect of missense changes on protein structure and function outputs the following: PolyPhen-2: "Benign". The asparagine amino acid residue is found in multiple mammalian species, which suggests that this missense change does not adversely affect protein function. In summary, the available evidence is currently insufficient to determine the role of this variant in disease. Therefore, it has been classified as a Variant of Uncertain Significance.

Quest Diagnostics Nichols Institute San Juan Capistrano
Classification: Uncertain significance. Last evaluated: 2024-07-01. Review status: criteria provided, single submitter. Criteria: Quest Diagnostics criteria. Collection method: clinical testing. Allele origin: unknown.
Comment: The BARD1 c.1153G>A (p.Asp385Asn) variant has been observed in reportedly healthy individuals (PMID: 29641532 (2018), 33471991 (2021), see also LOVD). The frequency of this variant in the general population, 0.00014 (5/34558 chromosomes (Genome Aggregation Database)), is uninformative in the assessment of its pathogenicity. Analysis of this variant using bioinformatics tools for the prediction of the effect of amino acid changes on protein structure and function yielded predictions that this variant is benign. Based on the available information, we are unable to determine the clinical significance of this variant.

Baylor Genetics
Classification: Uncertain significance for Familial cancer of breast. Last evaluated: 2024-03-15. Review status: criteria provided, single submitter. Criteria: ACMG Guidelines, 2015. Collection method: clinical testing. Allele origin: unknown. Study: CSER-TexasKidsCanSeq.

Ambry Genetics
Classification: Likely benign for Hereditary cancer-predisposing syndrome. Last evaluated: 2024-02-26. Review status: criteria provided, single submitter. Criteria: Ambry Variant Classification Scheme 2023. Collection method: clinical testing. Allele origin: germline.

GeneDx
Classification: Uncertain significance. Last evaluated: 2024-02-02. Review status: criteria provided, single submitter. Criteria: GeneDx Variant Classification Process June 2021. Collection method: clinical testing. Allele origin: germline. Affected: yes.
Comment: In silico analysis supports that this missense variant does not alter protein structure/function; Has not been previously published as pathogenic or benign to our knowledge

National Health Laboratory Service, Universitas Academic Hospital and University of the Free State
Classification: Uncertain significance for Hereditary breast ovarian cancer syndrome. Last evaluated: 2022-04-19. Review status: criteria provided, single submitter. Criteria: ACMG Guidelines, 2015. Collection method: clinical testing. Allele origin: germline. Affected: yes. Observed: 1 variant allele.

Women's Health and Genetics/Laboratory Corporation of America, LabCorp
Classification: Uncertain significance. Last evaluated: 2020-06-21. Review status: criteria provided, single submitter. Criteria: LabCorp Variant Classification Summary - May 2015. Collection method: clinical testing. Allele origin: germline.
Comment: Variant summary: BARD1 c.1153G>A (p.Asp385Asn) results in a conservative amino acid change in the encoded protein sequence. Five of five in-silico tools predict a benign effect of the variant on protein function. The variant allele was found at a frequency of 3.2e-05 in 251204 control chromosomes. The available data on variant occurrences in the general population are insufficient to allow any conclusion about variant significance. To our knowledge, no occurrence of c.1153G>A in individuals affected with Breast Cancer and no experimental evidence demonstrating its impact on protein function have been reported. Four clinical diagnostic laboratories have submitted clinical-significance assessments for this variant to ClinVar after 2014 without evidence for independent evaluation. All laboratories classified the variant as uncertain significance. Based on the evidence outlined above, the variant was classified as uncertain significance.

Color Diagnostics, LLC DBA Color Health
Classification: Uncertain significance for Hereditary cancer-predisposing syndrome. Last evaluated: 2019-04-03. Review status: criteria provided, single submitter. Criteria: ACMG Guidelines, 2015. Collection method: clinical testing. Allele origin: germline.

Literature cited by the submitters: PubMed 33471991 (cited by Quest Diagnostics Nichols Institute San Juan Capistrano); PubMed 29641532 (cited by Quest Diagnostics Nichols Institute San Juan Capistrano and Ambry Genetics).

NM_000465.4(BARD1):c.1153G>A (p.Asp385Asn)

Gene: BARD1 (BRCA1 associated RING domain 1; minus strand). Cytogenetic location: 2q35.
Variant type: single nucleotide variant.
Coding change: c.1153G>A on transcript NM_000465.4 (MANE Select); coding-DNA position 1153, G replaced by A.
Protein change: p.Asp385Asn; replaces aspartic acid 385 with asparagine.
Molecular consequence: missense variant. On other transcripts: non-coding transcript variant (2), intron variant (3).
Genome position (GRCh38, 1-based): chr2:214,780,721, C>T on the plus strand (G>A on the coding strand, the complement: BARD1 is on the minus strand). VCF-style: chr2-214780721-C-T. GRCh37 (hg19) VCF-style: chr2-215645445-C-T.
Other names: NP_000456.2:p.Asp385Asn; c.1096G>A, p.Asp366Asn (NM_001282543.2); c.159-28166G>A (NM_001282548.2); c.215+16340G>A (NM_001282545.2); c.364+11576G>A (NM_001282549.2); short protein forms D385N, D366N.
Identifiers: ClinVar variation 186580 (VCV000186580.27), dbSNP rs587782436, ClinGen allele CA195222.